The following is an entry in ClinVar:

ClinVar aggregate classification (germline): Uncertain significance (1 of 4 stars; one submission).

Submission:

GeneDx
Classification: Uncertain significance. Last evaluated: 2024-10-08. Review status: criteria provided, single submitter. Criteria: GeneDx Variant Classification Process June 2021. Collection method: clinical testing. Allele origin: germline. Affected: yes.
Comment: Not observed at significant frequency in large population cohorts (gnomAD); In silico analysis indicates that this missense variant does not alter protein structure/function; Has not been previously published as pathogenic or benign to our knowledge

NM_004187.5(KDM5C):c.2971C>G (p.Leu991Val)

Gene: KDM5C (lysine demethylase 5C; minus strand). Cytogenetic location: Xp11.22.
Variant type: single nucleotide variant.
Coding change: c.2971C>G on transcript NM_004187.5 (MANE Select); coding-DNA position 2971, C replaced by G.
Protein change: p.Leu991Val; replaces leucine 991 with valine.
Molecular consequence: missense variant. On other transcripts: non-coding transcript variant (3).
Genome position (GRCh38, 1-based): chrX:53,196,696, G>C on the plus strand (C>G on the coding strand, the complement: KDM5C is on the minus strand). VCF-style: chrX-53196696-G-C. GRCh37 (hg19) VCF-style: chrX-53225878-G-C.
Other names: c.2770C>G, p.Leu924Val (NM_001146702.2); c.2968C>G, p.Leu990Val (NM_001282622.3, NM_001353979.2, NM_001353982.2); c.2971C>G, p.Leu991Val (NM_001353978.3, NM_001353981.2, NM_001353984.2); short protein forms L924V, L990V, L991V.
Identifiers: ClinVar variation 3777519 (VCV003777519.1).